The following is an entry in ClinVar:

ClinVar aggregate classification (germline): Likely benign (1 of 4 stars; one submission).

Allele frequency attached by ClinVar (database versions not stated): gnomAD exomes 0.00001.
gnomAD v4.1: 4 of 1,614,192 alleles (0.00025%); highest among the groups gnomAD compares: Middle Eastern, 0.016%; no homozygotes.

Submission:

GeneDx
Classification: Likely benign. Last evaluated: 2023-03-28. Review status: criteria provided, single submitter. Criteria: GeneDx Variant Classification Process June 2021. Collection method: clinical testing. Allele origin: germline. Affected: yes.
Comment: See Variant Classification Assertion Criteria.

NM_015335.5(MED13L):c.2950C>A (p.Gln984Lys)

Gene: MED13L (mediator complex subunit 13L; minus strand). Cytogenetic location: 12q24.21.
Variant type: single nucleotide variant.
Coding change: c.2950C>A on transcript NM_015335.5 (MANE Select); coding-DNA position 2950, C replaced by A.
Protein change: p.Gln984Lys; replaces glutamine 984 with lysine.
Molecular consequence: missense variant.
Genome position (GRCh38, 1-based): chr12:115,996,522, G>T on the plus strand (C>A on the coding strand, the complement: MED13L is on the minus strand). VCF-style: chr12-115996522-G-T. GRCh37 (hg19) VCF-style: chr12-116434327-G-T.
Other names: short protein forms Q984K.
Identifiers: ClinVar variation 2580392 (VCV002580392.1), dbSNP rs1376289620, ClinGen allele CA386889616.